The following is an entry in ClinVar:

NM_003743.5(NCOA1):c.3436C>T (p.Pro1146Ser)

Gene: NCOA1 (nuclear receptor coactivator 1; plus strand). Cytogenetic location: 2p23.3.
Variant type: single nucleotide variant.
Coding change: c.3436C>T on transcript NM_003743.5 (MANE Select); coding-DNA position 3436, C replaced by T.
Protein change: p.Pro1146Ser; replaces proline 1146 with serine.
Molecular consequence: missense variant.
Genome position (GRCh38, 1-based): chr2:24,741,916, C>T. VCF-style: chr2-24741916-C-T. GRCh37 (hg19) VCF-style: chr2-24964785-C-T.
Other names: c.3436C>T, p.Pro1146Ser (NM_001362950.1, NM_001362952.1, NM_001362954.1 and 3 more transcripts); short protein forms P1146S.
Identifiers: ClinVar variation 3350460 (VCV003350460.1).

ClinVar aggregate classification (germline): Uncertain significance (0 of 4 stars; one submission).

Conditions:
NCOA1-related disorder. Also called: NCOA1-related condition.

gnomAD v4.1: 14 of 1,614,106 alleles (0.00087%); highest among the groups gnomAD compares: African/African-American, 0.004%; no homozygotes.

Submission:

PreventionGenetics, part of Exact Sciences
Classification: Uncertain significance for NCOA1-related condition. Last evaluated: 2024-05-08. Review status: no assertion criteria provided. Collection method: clinical testing. Allele origin: germline.
Comment: The NCOA1 c.3436C>T variant is predicted to result in the amino acid substitution p.Pro1146Ser. To our knowledge, this variant has not been reported in the literature. This variant is reported in 0.0062% of alleles in individuals of African descent in gnomAD. At this time, the clinical significance of this variant is uncertain due to the absence of conclusive functional and genetic evidence.